The following is an entry in ClinVar:

ClinVar aggregate classification (germline): Uncertain significance. Review status: criteria provided, multiple submitters, no conflicts (2 of 4 stars). 2 submissions from 2 submitters: Uncertain significance (2). Last evaluated 2025-02-12.

Conditions:
Congenital myasthenic syndrome 8. Also called: Myasthenic syndrome, congenital, 8, with pre- and postsynaptic defects; MYASTHENIC SYNDROME, CONGENITAL, DUE TO AGRIN DEFICIENCY. Identifiers: Orphanet 590, MedGen C3808739, MONDO:0014052, OMIM 615120.
Inborn genetic diseases. Identifiers: MedGen C0950123, MeSH D030342.

Allele frequency attached by ClinVar (database versions not stated): gnomAD 0.00019 and 0.00020; gnomAD exomes 0.00022; TOPMed 0.00028; ExAC 0.00038; 1000 Genomes Project 30x 0.00047.
gnomAD v4.1: 484 of 1,585,032 alleles (0.031%); highest among the groups gnomAD compares: Admixed American, 0.058%; no homozygotes.

Submissions (2):

Ambry Genetics
Classification: Uncertain significance for Inborn genetic diseases. Last evaluated: 2025-02-12. Review status: criteria provided, single submitter. Criteria: Ambry Variant Classification Scheme 2023. Collection method: clinical testing. Allele origin: germline.

Labcorp Genetics (formerly Invitae), Labcorp
Classification: Uncertain significance for Congenital myasthenic syndrome 8. Last evaluated: 2023-12-06. Review status: criteria provided, single submitter. Criteria: Invitae Variant Classification Sherloc (09022015). Collection method: clinical testing. Allele origin: germline.
Comment: This sequence change replaces glycine, which is neutral and non-polar, with glutamic acid, which is acidic and polar, at codon 1268 of the AGRN protein (p.Gly1268Glu). This variant is present in population databases (rs755427684, gnomAD 0.06%). This variant has not been reported in the literature in individuals affected with AGRN-related conditions. ClinVar contains an entry for this variant (Variation ID: 569151). An algorithm developed to predict the effect of missense changes on protein structure and function (PolyPhen-2) suggests that this variant¬†is likely to be tolerated. In summary, the available evidence is currently insufficient to determine the role of this variant in disease. Therefore, it has been classified as a Variant of Uncertain Significance.

NM_198576.4(AGRN):c.3803G>A (p.Gly1268Glu)

Gene: AGRN (agrin; plus strand). Cytogenetic location: 1p36.33.
Variant type: single nucleotide variant.
Coding change: c.3803G>A on transcript NM_198576.4 (MANE Select); coding-DNA position 3803, G replaced by A.
Protein change: p.Gly1268Glu; replaces glycine 1268 with glutamic acid.
Molecular consequence: missense variant.
Genome position (GRCh38, 1-based): chr1:1,048,063, G>A. VCF-style: chr1-1048063-G-A. GRCh37 (hg19) VCF-style: chr1-983443-G-A.
Other names: c.3803G>A, p.Gly1268Glu (NM_001305275.2); c.3488G>A, p.Gly1163Glu (NM_001364727.2); short protein forms G1268E, G1163E.
Identifiers: ClinVar variation 569151 (VCV000569151.9), dbSNP rs755427684, ClinGen allele CA509247.